The following is an entry in ClinVar:

ClinVar aggregate classification (germline): Uncertain significance (1 of 4 stars; one submission).

Allele frequency attached by ClinVar (database versions not stated): TOPMed below 0.00001.

Submission:

GeneDx
Classification: Uncertain significance. Last evaluated: 2022-06-28. Review status: criteria provided, single submitter. Criteria: GeneDx Variant Classification Process June 2021. Collection method: clinical testing. Allele origin: germline. Affected: yes.
Comment: Not observed at significant frequency in large population cohorts (gnomAD); In silico analysis supports that this missense variant does not alter protein structure/function; Has not been previously published as pathogenic or benign to our knowledge

NM_002206.3(ITGA7):c.976G>T (p.Val326Leu)

Gene: ITGA7 (integrin subunit alpha 7; minus strand). Cytogenetic location: 12q13.2.
Variant type: single nucleotide variant.
Coding change: c.976G>T on transcript NM_002206.3 (MANE Select); coding-DNA position 976, G replaced by T.
Protein change: p.Val326Leu; replaces valine 326 with leucine.
Molecular consequence: missense variant. On other transcripts: 5 prime UTR variant (1).
Genome position (GRCh38, 1-based): chr12:55,698,732, C>A on the plus strand (G>T on the coding strand, the complement: ITGA7 is on the minus strand). VCF-style: chr12-55698732-C-A. GRCh37 (hg19) VCF-style: chr12-56092516-C-A.
Other names: c.988G>T, p.Val330Leu (NM_001144996.2, NM_001414029.1, NM_001414030.1); c.697G>T, p.Val233Leu (NM_001144997.2); c.649G>T, p.Val217Leu (NM_001367993.1); c.-317G>T (NM_001367994.1); c.976G>T, p.Val326Leu (NM_001374465.1, NM_001414031.1, NM_001414034.1); c.1108G>T, p.Val370Leu (NM_001410977.1); c.856G>T, p.Val286Leu (NM_001414032.1); c.793G>T, p.Val265Leu (NM_001414033.1); and 1 more; short protein forms V213L, V217L, V233L, V265L, V286L, V326L, V330L, V370L.
Identifiers: ClinVar variation 1810194 (VCV001810194.1), dbSNP rs750168476, ClinGen allele CA385190686.